The following is an entry in ClinVar:

ClinVar aggregate classification (germline): Likely benign. Review status: criteria provided, multiple submitters, no conflicts (2 of 4 stars). 3 submissions from 3 submitters: Likely benign (2). 1 of the submissions does not count toward it. Last evaluated 2018-06-01.

Conditions:
SLC26A8-related disorder. Also called: SLC26A8-related condition.

Allele frequency attached by ClinVar (database versions not stated): gnomAD exomes 0.00010 and 0.00035; ExAC 0.00026; gnomAD 0.00026 and 0.00027; 1000 Genomes Project 30x 0.00031; 1000 Genomes Project 0.00040; TOPMed 0.00050.
gnomAD v4.1: 194 of 1,613,854 alleles (0.012%); highest among the groups gnomAD compares: Admixed American, 0.26%; 1 homozygote.

Submissions (3):

Labcorp Genetics (formerly Invitae), Labcorp
Classification: Likely benign. Last evaluated: 2018-06-01. Review status: criteria provided, single submitter. Criteria: Invitae Variant Classification Sherloc (09022015). Collection method: clinical testing. Allele origin: germline.

Breakthrough Genomics
Classification: Likely benign. Review status: criteria provided, single submitter. Criteria: ACMG Guidelines, 2015. Collection method: not provided. Allele origin: germline. Inheritance: Autosomal dominant inheritance. Affected: yes.

PreventionGenetics, part of Exact Sciences
Classification: Likely benign for SLC26A8-related condition. Last evaluated: 2019-09-18. Review status: no assertion criteria provided. Collection method: clinical testing. Allele origin: germline. Not counted in ClinVar's aggregate classification.
Comment: This variant is classified as likely benign based on ACMG/AMP sequence variant interpretation guidelines (Richards et al. 2015 PMID: 25741868, with internal and published modifications).

NM_052961.4(SLC26A8):c.2894A>G (p.Asn965Ser)

Gene: SLC26A8 (solute carrier family 26 member 8; minus strand). Cytogenetic location: 6p21.31.
Variant type: single nucleotide variant.
Coding change: c.2894A>G on transcript NM_052961.4 (MANE Select); coding-DNA position 2894, A replaced by G.
Protein change: p.Asn965Ser; replaces asparagine 965 with serine.
Molecular consequence: missense variant.
Genome position (GRCh38, 1-based): chr6:35,943,919, T>C on the plus strand (A>G on the coding strand, the complement: SLC26A8 is on the minus strand). VCF-style: chr6-35943919-T-C. GRCh37 (hg19) VCF-style: chr6-35911696-T-C.
Other names: c.2894A>G, p.Asn965Ser (NM_001193476.2); c.2579A>G, p.Asn860Ser (NM_138718.3); short protein forms N860S, N965S.
Identifiers: ClinVar variation 730861 (VCV000730861.6), dbSNP rs191020229, ClinGen allele CA3775144.
Genomic context (GRCh38, chr6:35,943,919, plus strand): 5'-ATTTGCCAGCATTATCTGACCCCTTATTTCTAGTTCATCTCCTAGACATCTTCATTGCTG[T>C]TGCCCTCTGGTGAGTATGAATCCATAGGATGGCGTCTCCTCTCCACTGACCATGTCCGAG-3'
Protein context (NP_443193.1, residues 955-970): HPMDSYSPEG[Asn965Ser]SNEDV